The following is an entry in ClinVar:

ClinVar aggregate classification (germline): Uncertain significance (1 of 4 stars; one submission).

Allele frequency attached by ClinVar (database versions not stated): TOPMed below 0.00001; gnomAD exomes 0.00001.
gnomAD v4.1: 3 of 1,614,236 alleles (0.00019%); highest among the groups gnomAD compares: African/African-American, 0.0013%; no homozygotes.

Submission:

Labcorp Genetics (formerly Invitae), Labcorp
Classification: Uncertain significance. Last evaluated: 2023-10-03. Review status: criteria provided, single submitter. Criteria: Invitae Variant Classification Sherloc (09022015). Collection method: clinical testing. Allele origin: germline.
Comment: This sequence change replaces tyrosine, which is neutral and polar, with asparagine, which is neutral and polar, at codon 1514 of the MYO5B protein (p.Tyr1514Asn). This variant is not present in population databases (gnomAD no frequency). This variant has not been reported in the literature in individuals affected with MYO5B-related conditions. Advanced modeling of protein sequence and biophysical properties (such as structural, functional, and spatial information, amino acid conservation, physicochemical variation, residue mobility, and thermodynamic stability) has been performed at Invitae for this missense variant, however the output from this modeling did not meet the statistical confidence thresholds required to predict the impact of this variant on MYO5B protein function. In summary, the available evidence is currently insufficient to determine the role of this variant in disease. Therefore, it has been classified as a Variant of Uncertain Significance.

NM_001080467.3(MYO5B):c.4540T>A (p.Tyr1514Asn)

Genes: MYO5B (myosin VB; minus strand), SNHG22 (small nucleolar RNA host gene 22; plus strand). Cytogenetic location: 18q21.1.
Variant type: single nucleotide variant.
Coding change: c.4540T>A on transcript NM_001080467.3 (MANE Select); coding-DNA position 4540, T replaced by A.
Protein change: p.Tyr1514Asn; replaces tyrosine 1514 with asparagine.
Molecular consequence: missense variant.
Genome position (GRCh38, 1-based): chr18:49,843,312, A>T on the plus strand (T>A on the coding strand, the complement: MYO5B is on the minus strand). VCF-style: chr18-49843312-A-T. GRCh37 (hg19) VCF-style: chr18-47369682-A-T.
Other names: short protein forms Y1514N.
Identifiers: ClinVar variation 2987574 (VCV002987574.3), dbSNP rs1227386948, ClinGen allele CA402425365.